The following is an entry in ClinVar:

NM_006206.6(PDGFRA):c.2942G>T (p.Arg981Leu)

Gene: PDGFRA (platelet derived growth factor receptor alpha; plus strand). Cytogenetic location: 4q12.
Variant type: single nucleotide variant.
Coding change: c.2942G>T on transcript NM_006206.6 (MANE Select); coding-DNA position 2942, G replaced by T.
Protein change: p.Arg981Leu; replaces arginine 981 with leucine.
Molecular consequence: missense variant.
Genome position (GRCh38, 1-based): chr4:54,290,374, G>T. VCF-style: chr4-54290374-G-T. GRCh37 (hg19) VCF-style: chr4-55156541-G-T.
Other names: c.3017G>T, p.Arg1006Leu (NM_001347828.2); c.2942G>T, p.Arg981Leu (NM_001347829.2); c.2981G>T, p.Arg994Leu (NM_001347830.2); short protein forms R981L, R1006L, R994L.
Identifiers: ClinVar variation 861819 (VCV000861819.13), dbSNP rs368266633, ClinGen allele CA356896038.

ClinVar aggregate classification (germline): Uncertain significance. Review status: criteria provided, multiple submitters, no conflicts (2 of 4 stars). 4 submissions from 4 submitters: Uncertain significance (4). Last evaluated 2026-03-04.

Conditions:
Hereditary cancer-predisposing syndrome. Also called: Neoplastic Syndromes, Hereditary; Tumor predisposition; Hereditary Cancer Syndrome; Hereditary neoplastic syndrome. Identifiers: Orphanet 140162, MedGen C0027672, MeSH D009386, MONDO:0015356.
Polyps, multiple and recurrent inflammatory fibroid, gastrointestinal. Identifiers: MedGen C5193005, MONDO:0008285, OMIM 175510.
Gastrointestinal stromal tumor. Also called: Gastrointestinal stromal tumor, somatic; Gastrointestinal stroma tumor. Identifiers: Orphanet 44890, MedGen C0238198, MeSH D046152, MONDO:0011719, OMIM 606764, HP:0100723.

gnomAD v4.1: 2 of 1,612,382 alleles (0.00012%); highest among the groups gnomAD compares: African/African-American, 0.0027%; no homozygotes.

Submissions (4):

Ambry Genetics
Classification: Uncertain significance for Hereditary cancer-predisposing syndrome. Last evaluated: 2026-03-04. Review status: criteria provided, single submitter. Criteria: Ambry Variant Classification Scheme 2023. Collection method: clinical testing. Allele origin: germline.
Comment: The p.R981L variant (also known as c.2942G>T), located in coding exon 21 of the PDGFRA gene, results from a G to T substitution at nucleotide position 2942. The arginine at codon 981 is replaced by leucine, an amino acid with dissimilar properties. This amino acid position is well conserved in available vertebrate species. In addition, the in silico prediction for this alteration is inconclusive. Loss of function has not been established as a mechanism of disease. Based on the available evidence, the clinical significance of this variant remains unclear.

Labcorp Genetics (formerly Invitae), Labcorp
Classification: Uncertain significance for Gastrointestinal stromal tumor. Last evaluated: 2025-07-30. Review status: criteria provided, single submitter. Criteria: Invitae Variant Classification Sherloc (09022015). Collection method: clinical testing. Allele origin: germline.
Comment: This sequence change replaces arginine, which is basic and polar, with leucine, which is neutral and non-polar, at codon 981 of the PDGFRA protein (p.Arg981Leu). This variant is not present in population databases (gnomAD no frequency). This variant has not been reported in the literature in individuals affected with PDGFRA-related conditions. ClinVar contains an entry for this variant (Variation ID: 861819). Invitae Evidence Modeling of protein sequence and biophysical properties (such as structural, functional, and spatial information, amino acid conservation, physicochemical variation, residue mobility, and thermodynamic stability) indicates that this missense variant is not expected to disrupt PDGFRA protein function with a negative predictive value of 80%. In summary, the available evidence is currently insufficient to determine the role of this variant in disease. Therefore, it has been classified as a Variant of Uncertain Significance.

Baylor Genetics
Classification: Uncertain significance for Polyps, multiple and recurrent inflammatory fibroid, gastrointestinal. Last evaluated: 2024-02-10. Review status: criteria provided, single submitter. Criteria: ACMG Guidelines, 2015. Collection method: clinical testing. Allele origin: unknown.

GeneDx
Classification: Uncertain significance. Last evaluated: 2022-11-02. Review status: criteria provided, single submitter. Criteria: GeneDx Variant Classification Process June 2021. Collection method: clinical testing. Allele origin: germline. Affected: yes.
Comment: Not observed at significant frequency in large population cohorts (gnomAD); In silico analysis supports that this missense variant has a deleterious effect on protein structure/function; Has not been previously published as pathogenic or benign to our knowledge